The following is an entry in ClinVar:

NM_001846.4(COL4A2):c.4327G>T (p.Gly1443Cys)

Genes: COL4A2 (collagen type IV alpha 2 chain; plus strand), COL4A2-AS1 (COL4A2 antisense RNA 1; minus strand). Cytogenetic location: 13q34.
Variant type: single nucleotide variant.
Coding change: c.4327G>T on transcript NM_001846.4 (MANE Select); coding-DNA position 4327, G replaced by T.
Protein change: p.Gly1443Cys; replaces glycine 1443 with cysteine.
Molecular consequence: missense variant.
Genome position (GRCh38, 1-based): chr13:110,504,189, G>T. VCF-style: chr13-110504189-G-T. GRCh37 (hg19) VCF-style: chr13-111156536-G-T.
Other names: short protein forms G1443C.
Identifiers: ClinVar variation 3766401 (VCV003766401.1).

ClinVar aggregate classification (germline): Uncertain significance (1 of 4 stars; one submission).

gnomAD v4.1: 1 of 1,614,186 alleles (0.000062%); no homozygotes.

Submission:

GeneDx
Classification: Uncertain significance. Last evaluated: 2024-09-03. Review status: criteria provided, single submitter. Criteria: GeneDx Variant Classification Process June 2021. Collection method: clinical testing. Allele origin: germline. Affected: yes.
Comment: Not observed at significant frequency in large population cohorts (gnomAD); In silico analysis supports that this missense variant has a deleterious effect on protein structure/function; Has not been previously published as pathogenic or benign to our knowledge; Occurs in the triple helical domain at the Y position in the canonical Gly-X-Y repeat; although this variant may have an effect on normal protein folding and function, missense substitution at the Y position is not a common mechanism of disease